The following is an entry in ClinVar:

ClinVar aggregate classification (germline): Uncertain significance. Review status: criteria provided, multiple submitters, no conflicts (2 of 4 stars). 2 submissions from 2 submitters: Uncertain significance (2). Last evaluated 2021-09-10.

Conditions:
Hereditary cancer-predisposing syndrome. Also called: Neoplastic Syndromes, Hereditary; Tumor predisposition; Hereditary Cancer Syndrome; Hereditary neoplastic syndrome. Identifiers: Orphanet 140162, MedGen C0027672, MeSH D009386, MONDO:0015356.
Gastrointestinal stromal tumor. Also called: Gastrointestinal stromal tumor, somatic; Gastrointestinal stroma tumor. Identifiers: Orphanet 44890, MedGen C0238198, MeSH D046152, MONDO:0011719, OMIM 606764, HP:0100723.

Submissions (2):

Ambry Genetics
Classification: Uncertain significance for Hereditary cancer-predisposing syndrome. Last evaluated: 2021-09-10. Review status: criteria provided, single submitter. Criteria: Ambry Variant Classification Scheme 2023. Collection method: clinical testing. Allele origin: germline.
Comment: The p.K812R variant (also known as c.2435A>G), located in coding exon 16 of the PDGFRA gene, results from an A to G substitution at nucleotide position 2435. The lysine at codon 812 is replaced by arginine, an amino acid with highly similar properties. This amino acid position is conserved. In addition, the in silico prediction for this alteration is inconclusive. Since supporting evidence is limited at this time, the clinical significance of this alteration remains unclear.

Labcorp Genetics (formerly Invitae), Labcorp
Classification: Uncertain significance for Gastrointestinal stromal tumor. Last evaluated: 2020-03-02. Review status: criteria provided, single submitter. Criteria: Invitae Variant Classification Sherloc (09022015). Collection method: clinical testing. Allele origin: germline.
Comment: This sequence change replaces lysine with arginine at codon 812 of the PDGFRA protein (p.Lys812Arg). The lysine residue is highly conserved and there is a small physicochemical difference between lysine and arginine. This variant is not present in population databases (ExAC no frequency). This variant has not been reported in the literature in individuals with PDGFRA-related conditions. Algorithms developed to predict the effect of missense changes on protein structure and function (SIFT, PolyPhen-2, Align-GVGD) all suggest that this variant is likely to be disruptive, but these predictions have not been confirmed by published functional studies and their clinical significance is uncertain. Algorithms developed to predict the effect of sequence changes on RNA splicing suggest that this variant may create or strengthen a splice site, but this prediction has not been confirmed by published transcriptional studies. In summary, the available evidence is currently insufficient to determine the role of this variant in disease. Therefore, it has been classified as a Variant of Uncertain Significance.

NM_006206.6(PDGFRA):c.2435A>G (p.Lys812Arg)

Gene: PDGFRA (platelet derived growth factor receptor alpha; plus strand). Cytogenetic location: 4q12.
Variant type: single nucleotide variant.
Coding change: c.2435A>G on transcript NM_006206.6 (MANE Select); coding-DNA position 2435, A replaced by G.
Protein change: p.Lys812Arg; replaces lysine 812 with arginine.
Molecular consequence: missense variant.
Genome position (GRCh38, 1-based): chr4:54,285,482, A>G. VCF-style: chr4-54285482-A-G. GRCh37 (hg19) VCF-style: chr4-55151649-A-G.
Other names: c.2510A>G, p.Lys837Arg (NM_001347828.2); c.2435A>G, p.Lys812Arg (NM_001347829.2); c.2474A>G, p.Lys825Arg (NM_001347830.2); short protein forms K825R, K812R, K837R.
Identifiers: ClinVar variation 846064 (VCV000846064.12), dbSNP rs1724306561, ClinGen allele CA356894824.